The following is an entry in ClinVar:

NM_004329.3(BMPR1A):c.868+9A>C

Gene: BMPR1A (bone morphogenetic protein receptor type 1A; plus strand). Cytogenetic location: 10q23.2.
Variant type: single nucleotide variant.
Coding change: c.868+9A>C on transcript NM_004329.3 (MANE Select); 9 bases into the intron after coding-DNA position 868, A replaced by C.
Molecular consequence: intron variant.
Genome position (GRCh38, 1-based): chr10:86,917,335, A>C. VCF-style: chr10-86917335-A-C. GRCh37 (hg19) VCF-style: chr10-88677092-A-C.
Identifiers: ClinVar variation 460514 (VCV000460514.15), dbSNP rs766298777, ClinGen allele CA658657985.

ClinVar aggregate classification (germline): Likely benign. Review status: criteria provided, multiple submitters, no conflicts (2 of 4 stars). 3 submissions from 3 submitters: Likely benign (3). Last evaluated 2025-07-02.

Conditions:
Juvenile polyposis syndrome (JPS). Identifiers: Orphanet 2929, MedGen C0345893, MONDO:0017380, OMIM 174900.
Hereditary cancer-predisposing syndrome. Also called: Hereditary neoplastic syndrome; Neoplastic Syndromes, Hereditary; Tumor predisposition; Hereditary Cancer Syndrome. Identifiers: Orphanet 140162, MedGen C0027672, MeSH D009386, MONDO:0015356.

gnomAD v4.1: 7 of 1,614,116 alleles (0.00043%); highest among the groups gnomAD compares: Admixed American, 0.01%; no homozygotes.

Submissions (3):

Labcorp Genetics (formerly Invitae), Labcorp
Classification: Likely benign for Juvenile polyposis syndrome. Last evaluated: 2025-07-02. Review status: criteria provided, single submitter. Criteria: Invitae Variant Classification Sherloc (09022015). Collection method: clinical testing. Allele origin: germline.

Myriad Genetics, Inc.
Classification: Likely benign for Juvenile polyposis syndrome. Last evaluated: 2024-08-05. Review status: criteria provided, single submitter. Criteria: Myriad Autosomal Dominant, Autosomal Recessive and X-Linked Classification Criteria (2023). Collection method: clinical testing. Allele origin: unknown.
Comment: This variant is considered likely benign. This variant is intronic and is not expected to impact mRNA splicing.

Color Diagnostics, LLC DBA Color Health
Classification: Likely benign for Hereditary cancer-predisposing syndrome. Last evaluated: 2017-03-09. Review status: criteria provided, single submitter. Criteria: ACMG Guidelines, 2015. Collection method: clinical testing. Allele origin: germline.